The following is an entry in ClinVar:

NM_005560.6(LAMA5):c.3831C>T (p.Pro1277=)

Gene: LAMA5 (laminin subunit alpha 5; minus strand). Cytogenetic location: 20q13.33.
Variant type: single nucleotide variant.
Coding change: c.3831C>T on transcript NM_005560.6 (MANE Select); coding-DNA position 3831, C replaced by T.
Protein change: p.Pro1277=; no amino-acid change (proline 1277 retained).
Molecular consequence: synonymous variant.
Genome position (GRCh38, 1-based): chr20:62,330,764, G>A on the plus strand (C>T on the coding strand, the complement: LAMA5 is on the minus strand). VCF-style: chr20-62330764-G-A. GRCh37 (hg19) VCF-style: chr20-60905820-G-A.
Identifiers: ClinVar variation 3053039 (VCV003053039.2), dbSNP rs151050051, ClinGen allele CA9942843.
Genomic context (GRCh38, chr20:62,330,764, plus strand): 5'-CCCTGACACCCCCGTCCCTCTAGAGACTATGGCCCTCACCTGGGGCTCACGCAGCAGGGT[G>A]GGCTCTGCATCAGGGTCCACAGCGGTGGGGGGCCGAGGTCGGGGTCCAGCTGGGGACATG-3'
Protein context (NP_005551.3, residues 1267-1287): PPTAVDPDAE[Pro1277=]TLLREPQATV

ClinVar aggregate classification (germline): Likely benign (0 of 4 stars; one submission).

Conditions:
LAMA5-related disorder. Also called: LAMA5-Related Disorders; LAMA5-related condition.

Allele frequency attached by ClinVar (database versions not stated): gnomAD exomes 0.00003; TOPMed 0.00004; gnomAD 0.00005; ExAC 0.00010; 1000 Genomes Project 30x 0.00016; 1000 Genomes Project 0.00020.
gnomAD v4.1: 50 of 1,562,426 alleles (0.0032%); highest among the groups gnomAD compares: South Asian, 0.0082%; no homozygotes.

Submission:

PreventionGenetics, part of Exact Sciences
Classification: Likely benign for LAMA5-related condition. Last evaluated: 2019-09-04. Review status: no assertion criteria provided. Collection method: clinical testing. Allele origin: germline.
Comment: This variant is classified as likely benign based on ACMG/AMP sequence variant interpretation guidelines (Richards et al. 2015 PMID: 25741868, with internal and published modifications).